The following is an entry in ClinVar:

NM_022124.6(CDH23):c.1004A>T (p.Asn335Ile)

Gene: CDH23 (cadherin related 23; plus strand). Cytogenetic location: 10q22.1.
Variant type: single nucleotide variant.
Coding change: c.1004A>T on transcript NM_022124.6 (MANE Select); coding-DNA position 1004, A replaced by T.
Protein change: p.Asn335Ile; replaces asparagine 335 with isoleucine.
Molecular consequence: missense variant.
Genome position (GRCh38, 1-based): chr10:71,617,263, A>T. VCF-style: chr10-71617263-A-T. GRCh37 (hg19) VCF-style: chr10-73377020-A-T.
Other names: c.1004A>T, p.Asn335Ile (NM_001171930.2, NM_001171931.2, NM_001171932.2 and 1 more transcripts); short protein forms N335I.
Identifiers: ClinVar variation 1486567 (VCV001486567.5), dbSNP rs539249395, ClinGen allele CA209424018.

ClinVar aggregate classification (germline): Uncertain significance (1 of 4 stars; one submission).

Allele frequency attached by ClinVar (database versions not stated): gnomAD 0.00001.
gnomAD v4.1: 1 of 1,614,000 alleles (0.000062%); highest among the groups gnomAD compares: East Asian, 0.0022%; no homozygotes.

Submission:

Labcorp Genetics (formerly Invitae), Labcorp
Classification: Uncertain significance. Last evaluated: 2022-10-28. Review status: criteria provided, single submitter. Criteria: Invitae Variant Classification Sherloc (09022015). Collection method: clinical testing. Allele origin: germline.
Comment: This sequence change replaces asparagine, which is neutral and polar, with isoleucine, which is neutral and non-polar, at codon 335 of the CDH23 protein (p.Asn335Ile). This variant is not present in population databases (gnomAD no frequency). This variant has not been reported in the literature in individuals affected with CDH23-related conditions. ClinVar contains an entry for this variant (Variation ID: 1486567). Advanced modeling of protein sequence and biophysical properties (such as structural, functional, and spatial information, amino acid conservation, physicochemical variation, residue mobility, and thermodynamic stability) performed at Invitae indicates that this missense variant is not expected to disrupt CDH23 protein function. In summary, the available evidence is currently insufficient to determine the role of this variant in disease. Therefore, it has been classified as a Variant of Uncertain Significance.